The following is an entry in ClinVar:

NM_015100.4(POGZ):c.163A>G (p.Ile55Val)

Gene: POGZ (pogo transposable element derived with ZNF domain; minus strand). Cytogenetic location: 1q21.3.
Variant type: single nucleotide variant.
Coding change: c.163A>G on transcript NM_015100.4 (MANE Select); coding-DNA position 163, A replaced by G.
Protein change: p.Ile55Val; replaces isoleucine 55 with valine.
Molecular consequence: missense variant. On other transcripts: intron variant (2).
Genome position (GRCh38, 1-based): chr1:151,441,048, T>C on the plus strand (A>G on the coding strand, the complement: POGZ is on the minus strand). VCF-style: chr1-151441048-T-C. GRCh37 (hg19) VCF-style: chr1-151413524-T-C.
Other names: c.163A>G (NM_015100.3); c.163A>G, p.Ile55Val (NM_001194937.2, NM_145796.4); c.124+1033A>G (NM_001194938.2, NM_207171.2); short protein forms I55V.
Identifiers: ClinVar variation 1679787 (VCV001679787.2), dbSNP rs768095572, ClinGen allele CA1091701.
Genomic context (GRCh38, chr1:151,441,048, plus strand): 5'-CGCTGCTACTAACGGTGGTGGATGTAGAGAGGTGCCCAGCAACAGAAGCATGGGCAGCGA[T>C]GGGCACTGGAGCCGAGACTGGCTGCTGGCTCACAGAAACTGTGGGGAAGGGGAGGCATAG-3'
Protein context (NP_055915.2, residues 45-65): SQQPVSAPVP[Ile55Val]AAHASVAGHL

ClinVar aggregate classification (germline): Uncertain significance. Review status: criteria provided, single submitter (1 of 4 stars). 2 submissions from 2 submitters: Uncertain significance (1). 1 of the submissions does not count toward it. Last evaluated 2021-04-16.

Conditions:
Intellectual disability-microcephaly-strabismus-behavioral abnormalities syndrome. Also called: White-Sutton Syndrome. Identifiers: Orphanet 468678, MedGen C4225351, MONDO:0014606, OMIM 616364.
POGZ-related disorder. Also called: POGZ-related condition.

Allele frequency attached by ClinVar (database versions not stated): gnomAD 0.00001; gnomAD exomes 0.00001 and 0.00002; ExAC 0.00002; TOPMed 0.00003.
gnomAD v4.1: 13 of 1,613,930 alleles (0.00081%); highest among the groups gnomAD compares: South Asian, 0.011%; no homozygotes.

Submissions (2):

New York Genome Center
Classification: Uncertain significance for Intellectual disability-microcephaly-strabismus-behavioral abnormalities syndrome. Last evaluated: 2021-04-16. Review status: criteria provided, single submitter. Criteria: NYGC Assertion Criteria 2020. Collection method: clinical testing. Allele origin: germline. Observed: 1 heterozygote. Study: CSER-NYCKidSeq.

PreventionGenetics, part of Exact Sciences
Classification: Uncertain significance for POGZ-related condition. Last evaluated: 2024-08-28. Review status: no assertion criteria provided. Collection method: clinical testing. Allele origin: germline. Not counted in ClinVar's aggregate classification.
Comment: The POGZ c.163A>G variant is predicted to result in the amino acid substitution p.Ile55Val. To our knowledge, this variant has not been reported in the literature. This variant is reported in 0.0065% of alleles in individuals of South Asian descent in gnomAD. At this time, the clinical significance of this variant is uncertain due to the absence of conclusive functional and genetic evidence.